The following is an entry in ClinVar:

ClinVar aggregate classification (germline): Uncertain significance (1 of 4 stars; one submission).

Conditions:
TMEM67-related disorder. Also called: TMEM67-related condition; TMEM67-related disorders. Identifiers: MedGen CN239423.

Submission:

PreventionGenetics, part of Exact Sciences
Classification: Uncertain significance for TMEM67-related condition. Last evaluated: 2025-02-19. Review status: criteria provided, single submitter. Criteria: ACMG Guidelines, 2015. Collection method: clinical testing. Allele origin: germline.
Comment: The TMEM67 c.18_19delinsCT variant is predicted to result in an in-frame deletion and insertion. To our knowledge, this variant has not been reported in the literature or in a large population database (gnomAD), indicating this variant is rare. At this time, the clinical significance of this variant is uncertain due to the absence of conclusive functional and genetic evidence.

NM_153704.6(TMEM67):c.18_19delinsCT (p.Ala7Ser)

Gene: TMEM67 (transmembrane protein 67; plus strand). Cytogenetic location: 8q22.1.
Variant type: Indel.
Coding change: c.18_19delinsCT on transcript NM_153704.6 (MANE Select); coding-DNA positions 18 to 19, GG replaced by CT.
Protein change: p.Ala7Ser; replaces alanine 7 with serine.
Molecular consequence: missense variant. On other transcripts: non-coding transcript variant (1), intron variant (1).
Genome position (GRCh38, 1-based): chr8:93,754,932-93,754,933, GG replaced by CT. VCF-style: chr8-93754932-GG-CT. GRCh37 (hg19) VCF-style: chr8-94767160-GG-CT.
Other names: c.18_19delGGinsCT, p.Ala7Ser (NM_153704.5); c.-180+23_-180+24delinsCT (NM_001142301.1); short protein forms A7S.
Identifiers: ClinVar variation 4999368 (VCV004999368.1).
Genomic context (GRCh38, chr8:93,754,932, plus strand): 5'-CTGATGGGGGGCTGGAGGCTGTGAGGCTTCCAGCGTCGGTACCATGGCGACGCGCGGTGG[GG>CT]CTGGGGTGGCAATGGCGGTTTGGTCCCTCTTATCCGCCCGGGCCGTGACCGCGTTCCTTC-3'
Protein context (NP_714915.3, residues 1-17): MATRGG[Ala7Ser]GVAMAVWSLL